The following is an entry in ClinVar:

NM_000238.4(KCNH2):c.1997T>C (p.Leu666Pro)

Gene: KCNH2 (potassium voltage-gated channel subfamily H member 2; minus strand). Cytogenetic location: 7q36.1.
Variant type: single nucleotide variant.
Coding change: c.1997T>C on transcript NM_000238.4 (MANE Select); coding-DNA position 1997, T replaced by C.
Protein change: p.Leu666Pro; replaces leucine 666 with proline.
Molecular consequence: missense variant.
Genome position (GRCh38, 1-based): chr7:150,951,069, A>G on the plus strand (T>C on the coding strand, the complement: KCNH2 is on the minus strand). VCF-style: chr7-150951069-A-G. GRCh37 (hg19) VCF-style: chr7-150648157-A-G.
Other names: c.977T>C, p.Leu326Pro (NM_001204798.2, NM_172057.3); c.1709T>C, p.Leu570Pro (NM_001406753.1, NM_001406756.1); c.1820T>C, p.Leu607Pro (NM_001406755.1); c.1697T>C, p.Leu566Pro (NM_001406757.1); c.1997T>C, p.Leu666Pro (NM_172056.3); short protein forms L666P, L326P, L607P, L570P, L566P.
Identifiers: ClinVar variation 1363568 (VCV001363568.10), dbSNP rs2116955926, ClinGen allele CA369857686.

ClinVar aggregate classification (germline): Uncertain significance. Review status: criteria provided, multiple submitters, no conflicts (2 of 4 stars). 2 submissions from 2 submitters: Uncertain significance (2). Last evaluated 2023-07-14.

Conditions:
Cardiovascular phenotype. Identifiers: MedGen CN230736.
Long QT syndrome (LQTS). Identifiers: MedGen C0023976, MeSH D008133, MONDO:0002442. Disease mechanism: loss of function. Inheritance: Various modes of inheritance.

Submissions (2):

Ambry Genetics
Classification: Uncertain significance for Cardiovascular phenotype. Last evaluated: 2023-07-14. Review status: criteria provided, single submitter. Criteria: Ambry Variant Classification Scheme 2023. Collection method: clinical testing. Allele origin: germline.
Comment: The c.1997T>C (p.L666P) alteration is located in exon 8 (coding exon 8) of the KCNH2 gene. This alteration results from a T to C substitution at nucleotide position 1997, causing the leucine (L) at amino acid position 666 to be replaced by a proline (P). This variant was not reported in population-based cohorts in the Genome Aggregation Database (gnomAD). This amino acid position is highly conserved in available vertebrate species. This alteration is predicted to be deleterious by in silico analysis. Based on insufficient or conflicting evidence, the clinical significance of this alteration remains unclear.

Labcorp Genetics (formerly Invitae), Labcorp
Classification: Uncertain significance for Long QT syndrome. Last evaluated: 2021-12-01. Review status: criteria provided, single submitter. Criteria: Invitae Variant Classification Sherloc (09022015). Collection method: clinical testing. Allele origin: germline.
Comment: In summary, the available evidence is currently insufficient to determine the role of this variant in disease. Therefore, it has been classified as a Variant of Uncertain Significance. Algorithms developed to predict the effect of missense changes on protein structure and function (SIFT, PolyPhen-2, Align-GVGD) all suggest that this variant is likely to be disruptive. This sequence change replaces leucine, which is neutral and non-polar, with proline, which is neutral and non-polar, at codon 666 of the KCNH2 protein (p.Leu666Pro). This variant is not present in population databases (gnomAD no frequency). This variant has not been reported in the literature in individuals affected with KCNH2-related conditions.

Literature cited by the submitters: PubMed 24606930 (cited by Ambry Genetics).